The following is an entry in ClinVar:

NM_001267550.2(TTN):c.88156A>T (p.Ser29386Cys)

Genes: TTN (titin; minus strand), TTN-AS1 (TTN antisense RNA 1; plus strand). Cytogenetic location: 2q31.2.
Variant type: single nucleotide variant.
Coding change: c.88156A>T on transcript NM_001267550.2 (MANE Select); coding-DNA position 88156, A replaced by T.
Protein change: p.Ser29386Cys; replaces serine 29386 with cysteine.
Molecular consequence: missense variant.
Genome position (GRCh38, 1-based): chr2:178,556,998, T>A on the plus strand (A>T on the coding strand, the complement: TTN is on the minus strand). VCF-style: chr2-178556998-T-A. GRCh37 (hg19) VCF-style: chr2-179421725-T-A.
Other names: c.80452A>T, p.Ser26818Cys (NM_133378.4); c.83233A>T, p.Ser27745Cys (NM_001256850.1); c.60961A>T, p.Ser20321Cys (NM_003319.4); c.61336A>T, p.Ser20446Cys (NM_133432.3); c.61537A>T, p.Ser20513Cys (NM_133437.4); short protein forms S26818C, S29386C, S20321C, S20446C, S20513C, S27745C.
Identifiers: ClinVar variation 179753 (VCV000179753.16), dbSNP rs727505102, ClinGen allele CA185071.

ClinVar aggregate classification (germline): Uncertain significance. Review status: criteria provided, multiple submitters, no conflicts (2 of 4 stars). 6 submissions from 6 submitters: Uncertain significance (6). Last evaluated 2024-04-22.

Conditions:
Autosomal recessive limb-girdle muscular dystrophy type 2J (LGMDR10). Also called: MUSCULAR DYSTROPHY, LIMB-GIRDLE, AUTOSOMAL RECESSIVE 10; Limb-girdle muscular dystrophy, type 2J. Identifiers: Orphanet 140922, MedGen C1837342, MONDO:0012127, OMIM 608807.
Dilated cardiomyopathy 1G (CMD1G). Identifiers: Orphanet 154, MedGen C1858763, MONDO:0011400, OMIM 604145.
Tibial muscular dystrophy (TMD). Also called: Tibial muscular dystrophy, tardive; Udd Distal Myopathy – Tibial Muscular Dystrophy; UDD MYOPATHY. Identifiers: Orphanet 609, MedGen C1838244, MONDO:0010870, OMIM 600334.
Myopathy, myofibrillar, 9, with early respiratory failure (MFM9). Also called: Myopathy, distal, with early respiratory failure, autosomal dominant; EDSTROM MYOPATHY; MYOPATHY, PROXIMAL, WITH EARLY RESPIRATORY MUSCLE INVOLVEMENT; Hereditary myopathy with early respiratory failure. Identifiers: Orphanet 178464, Orphanet 34521, MedGen C1863599, MONDO:0011362, OMIM 603689.
Early-onset myopathy with fatal cardiomyopathy (CMYO5). Also called: CONGENITAL MYOPATHY 5 WITH CARDIOMYOPATHY; Salih Myopathy. Identifiers: Orphanet 289377, MedGen C2673677, MONDO:0012714, OMIM 611705. Disease mechanism: loss of function.
Hypertrophic cardiomyopathy 9. Also called: Familial hypertrophic cardiomyopathy 9. Identifiers: MedGen C1861065, MONDO:0013412, OMIM 613765.

Allele frequency attached by ClinVar (database versions not stated): gnomAD 0.00001; TOPMed 0.00003; ExAC 0.00008; gnomAD exomes 0.00009.
gnomAD v4.1: 26 of 1,613,692 alleles (0.0016%); highest among the groups gnomAD compares: Admixed American, 0.042%; no homozygotes.

Submissions (6):

Revvity Omics, Revvity
Classification: Uncertain significance. Last evaluated: 2024-04-22. Review status: criteria provided, single submitter. Criteria: ACMG Guidelines, 2015. Collection method: clinical testing. Allele origin: germline.

Fulgent Genetics
Classification: Uncertain significance for Tibial muscular dystrophy; Myopathy, myofibrillar, 9, with early respiratory failure; Dilated cardiomyopathy 1G; Autosomal recessive limb-girdle muscular dystrophy type 2J; Early-onset myopathy with fatal cardiomyopathy; Hypertrophic cardiomyopathy 9. Last evaluated: 2021-07-14. Review status: criteria provided, single submitter. Criteria: ACMG Guidelines, 2015. Collection method: clinical testing. Allele origin: unknown.

Eurofins Ntd Llc (ga)
Classification: Uncertain significance. Last evaluated: 2018-01-12. Review status: criteria provided, single submitter. Criteria: EGL Classification Definitions 2015. Collection method: clinical testing. Allele origin: germline. Observed: 2 variant alleles, 2 heterozygotes.

Athena Diagnostics
Classification: Uncertain significance. Last evaluated: 2017-09-21. Review status: criteria provided, single submitter. Criteria: Athena Diagnostics Criteria. Collection method: clinical testing. Allele origin: germline.

Labcorp Genetics (formerly Invitae), Labcorp
Classification: Uncertain significance for Dilated cardiomyopathy 1G; Autosomal recessive limb-girdle muscular dystrophy type 2J. Last evaluated: 2017-07-27. Review status: criteria provided, single submitter. Criteria: Invitae Variant Classification Sherloc (09022015). Collection method: clinical testing. Allele origin: germline.

Laboratory for Molecular Medicine, Mass General Brigham Personalized Medicine
Classification: Uncertain significance. Last evaluated: 2014-05-08. Review status: criteria provided, single submitter. Criteria: LMM Criteria. Collection method: clinical testing. Allele origin: germline. Observed: 2 variant alleles.
Comment: The Ser26818Cys variant in TTN has not been previously reported in individuals w ith cardiomyopathy or in large population studies. Computational prediction too ls and conservation analysis do not provide strong support for or against an imp act to the normal function of the protein. In summary, the clinical significance of the Ser26818Cys variant is uncertain.